The following is an entry in ClinVar:

NM_015965.7(NDUFA13):c.98A>G (p.Tyr33Cys)

Genes: NDUFA13 (NADH:ubiquinone oxidoreductase subunit A13; plus strand), LOC125371495 (Sharpr-MPRA regulatory region 9511; plus strand). Cytogenetic location: 19p13.11.
Variant type: single nucleotide variant.
Coding change: c.98A>G on transcript NM_015965.7 (MANE Select); coding-DNA position 98, A replaced by G.
Protein change: p.Tyr33Cys; replaces tyrosine 33 with cysteine.
Molecular consequence: missense variant.
Genome position (GRCh38, 1-based): chr19:19,526,185, A>G. VCF-style: chr19-19526185-A-G. GRCh37 (hg19) VCF-style: chr19-19636994-A-G.
Other names: short protein forms Y33C.
Identifiers: ClinVar variation 2128793 (VCV002128793.4), dbSNP rs769884525, ClinGen allele CA306314086.
Genomic context (GRCh38, chr19:19,526,185, plus strand): 5'-TGTGGAGGAGGGTGTCTGGGGGCGGGCTGGCCCGCTGAGCAGCGCCTCTCTTCACAGGCT[A>G]CAGCATGCTGGCCATAGGGATTGGAACCCTGATCTACGGGCACTGGAGCATAATGAAGTG-3'
Protein context (NP_057049.5, residues 23-43): RNLPRRGLSG[Tyr33Cys]SMLAIGIGTL

ClinVar aggregate classification (germline): Uncertain significance (1 of 4 stars; one submission).

Allele frequency attached by ClinVar (database versions not stated): gnomAD exomes 0.00001; TOPMed 0.00001.
gnomAD v4.1: 19 of 1,613,938 alleles (0.0012%); highest among the groups gnomAD compares: Admixed American, 0.0017%; no homozygotes.

Submission:

Labcorp Genetics (formerly Invitae), Labcorp
Classification: Uncertain significance. Last evaluated: 2024-10-24. Review status: criteria provided, single submitter. Criteria: Invitae Variant Classification Sherloc (09022015). Collection method: clinical testing. Allele origin: germline.
Comment: This sequence change replaces tyrosine, which is neutral and polar, with cysteine, which is neutral and slightly polar, at codon 33 of the NDUFA13 protein (p.Tyr33Cys). This variant is present in population databases (rs769884525, gnomAD 0.006%). This variant has not been reported in the literature in individuals affected with NDUFA13-related conditions. ClinVar contains an entry for this variant (Variation ID: 2128793). An algorithm developed to predict the effect of missense changes on protein structure and function (PolyPhen-2) suggests that this variant is likely to be disruptive. In summary, the available evidence is currently insufficient to determine the role of this variant in disease. Therefore, it has been classified as a Variant of Uncertain Significance.